The following is an entry in ClinVar:

ClinVar aggregate classification (germline): Uncertain significance. Review status: criteria provided, multiple submitters, no conflicts (2 of 4 stars). 2 submissions from 2 submitters: Uncertain significance (2). Last evaluated 2025-11-24.

Allele frequency attached by ClinVar (database versions not stated): gnomAD 0.00001.

Submissions (2):

Labcorp Genetics (formerly Invitae), Labcorp
Classification: Uncertain significance. Last evaluated: 2025-11-24. Review status: criteria provided, single submitter. Criteria: Invitae Variant Classification Sherloc (09022015). Collection method: clinical testing. Allele origin: germline.
Comment: This sequence change replaces lysine, which is basic and polar, with arginine, which is basic and polar, at codon 143 of the SPPL2A protein (p.Lys143Arg). This variant is present in population databases (rs200073272, gnomAD 0.01%). This variant has not been reported in the literature in individuals affected with SPPL2A-related conditions. ClinVar contains an entry for this variant (Variation ID: 1350524). An algorithm developed to predict the effect of missense changes on protein structure and function outputs the following: PolyPhen-2: "Benign". The arginine amino acid residue is found in multiple mammalian species, which suggests that this missense change does not adversely affect protein function. In summary, the available evidence is currently insufficient to determine the role of this variant in disease. Therefore, it has been classified as a Variant of Uncertain Significance.

Ambry Genetics
Classification: Uncertain significance. Last evaluated: 2024-07-10. Review status: criteria provided, single submitter. Criteria: Ambry Variant Classification Scheme 2023. Collection method: clinical testing. Allele origin: germline.

NM_032802.4(SPPL2A):c.428A>G (p.Lys143Arg)

Gene: SPPL2A (signal peptide peptidase like 2A; minus strand). Cytogenetic location: 15q21.2.
Variant type: single nucleotide variant.
Coding change: c.428A>G on transcript NM_032802.4 (MANE Select); coding-DNA position 428, A replaced by G.
Protein change: p.Lys143Arg; replaces lysine 143 with arginine.
Molecular consequence: missense variant.
Genome position (GRCh38, 1-based): chr15:50,748,135, T>C on the plus strand (A>G on the coding strand, the complement: SPPL2A is on the minus strand). VCF-style: chr15-50748135-T-C. GRCh37 (hg19) VCF-style: chr15-51040332-T-C.
Other names: c.428A>G (NM_032802.3); short protein forms K143R.
Identifiers: ClinVar variation 1350524 (VCV001350524.7), dbSNP rs200073272, ClinGen allele CA270520144.